The following is an entry in ClinVar:

NM_006206.6(PDGFRA):c.1401C>G (p.Asn467Lys)

Gene: PDGFRA (platelet derived growth factor receptor alpha; plus strand). Cytogenetic location: 4q12.
Variant type: single nucleotide variant.
Coding change: c.1401C>G on transcript NM_006206.6 (MANE Select); coding-DNA position 1401, C replaced by G.
Protein change: p.Asn467Lys; replaces asparagine 467 with lysine.
Molecular consequence: missense variant.
Genome position (GRCh38, 1-based): chr4:54,273,573, C>G. VCF-style: chr4-54273573-C-G. GRCh37 (hg19) VCF-style: chr4-55139740-C-G.
Other names: c.1401C>G, p.Asn467Lys (NM_001347827.2, NM_001347829.2); c.1476C>G, p.Asn492Lys (NM_001347828.2); c.1440C>G, p.Asn480Lys (NM_001347830.2); short protein forms N480K, N492K, N467K.
Identifiers: ClinVar variation 1951155 (VCV001951155.7), dbSNP rs878854821, ClinGen allele CA356892493.
Genomic context (GRCh38, chr4:54,273,573, plus strand): 5'-TACTTAGGCCCTTTTTCTCTCTAGATGTAATAATGAAACTTCCTGGACTATTTTGGCCAA[C>G]AATGTCTCAAACATCATCACGGAGATCCACTCCCGAGACAGGAGTACCGTGGAGGGCCGT-3'
Protein context (NP_006197.1, residues 457-477): NNETSWTILA[Asn467Lys]NVSNIITEIH

ClinVar aggregate classification (germline): Uncertain significance. Review status: criteria provided, multiple submitters, no conflicts (2 of 4 stars). 2 submissions from 2 submitters: Uncertain significance (2). Last evaluated 2024-05-02.

Conditions:
Hereditary cancer-predisposing syndrome. Also called: Neoplastic Syndromes, Hereditary; Hereditary neoplastic syndrome; Hereditary Cancer Syndrome; Tumor predisposition. Identifiers: Orphanet 140162, MedGen C0027672, MeSH D009386, MONDO:0015356.
Gastrointestinal stromal tumor. Also called: Gastrointestinal stromal tumor, somatic; Gastrointestinal stroma tumor. Identifiers: Orphanet 44890, MedGen C0238198, MeSH D046152, MONDO:0011719, OMIM 606764, HP:0100723.

Submissions (2):

Labcorp Genetics (formerly Invitae), Labcorp
Classification: Uncertain significance for Gastrointestinal stromal tumor. Last evaluated: 2024-05-02. Review status: criteria provided, single submitter. Criteria: Invitae Variant Classification Sherloc (09022015). Collection method: clinical testing. Allele origin: germline.
Comment: This sequence change replaces asparagine, which is neutral and polar, with lysine, which is basic and polar, at codon 467 of the PDGFRA protein (p.Asn467Lys). This variant is not present in population databases (gnomAD no frequency). This variant has not been reported in the literature in individuals affected with PDGFRA-related conditions. ClinVar contains an entry for this variant (Variation ID: 1951155). Advanced modeling of protein sequence and biophysical properties (such as structural, functional, and spatial information, amino acid conservation, physicochemical variation, residue mobility, and thermodynamic stability) performed at Invitae indicates that this missense variant is not expected to disrupt PDGFRA protein function with a negative predictive value of 80%. In summary, the available evidence is currently insufficient to determine the role of this variant in disease. Therefore, it has been classified as a Variant of Uncertain Significance.

Ambry Genetics
Classification: Uncertain significance for Hereditary cancer-predisposing syndrome. Last evaluated: 2023-08-30. Review status: criteria provided, single submitter. Criteria: Ambry Variant Classification Scheme 2023. Collection method: clinical testing. Allele origin: germline.
Comment: The p.N467K variant (also known as c.1401C>G), located in coding exon 9 of the PDGFRA gene, results from a C to G substitution at nucleotide position 1401. The asparagine at codon 467 is replaced by lysine, an amino acid with similar properties. This amino acid position is conserved. In addition, this alteration is predicted to be tolerated by in silico analysis. Since supporting evidence is limited at this time, the clinical significance of this alteration remains unclear.